The following is an entry in ClinVar:

NM_001065.4(TNFRSF1A):c.714G>A (p.Arg238=)

Gene: TNFRSF1A (TNF receptor superfamily member 1A; minus strand). Cytogenetic location: 12p13.31.
Variant type: single nucleotide variant.
Coding change: c.714G>A on transcript NM_001065.4 (MANE Select); coding-DNA position 714, G replaced by A.
Protein change: p.Arg238=; no amino-acid change (arginine 238 retained).
Molecular consequence: synonymous variant. On other transcripts: non-coding transcript variant (1).
Genome position (GRCh38, 1-based): chr12:6,330,623, C>T on the plus strand (G>A on the coding strand, the complement: TNFRSF1A is on the minus strand). VCF-style: chr12-6330623-C-T. GRCh37 (hg19) VCF-style: chr12-6439789-C-T.
Other names: c.390G>A, p.Arg130= (NM_001346091.2); c.255G>A, p.Arg85= (NM_001346092.2).
Identifiers: ClinVar variation 712944 (VCV000712944.17), dbSNP rs200376188, ClinGen allele CA6405420.

ClinVar aggregate classification (germline): Benign/Likely benign. Review status: criteria provided, multiple submitters, no conflicts (2 of 4 stars). 4 submissions from 4 submitters: Benign (1); Likely benign (1). 2 of the submissions do not count toward it. Last evaluated 2025-09-23.

Conditions:
TNFRSF1A-related disorder. Also called: TNFRSF1A-related condition.
Autoinflammatory syndrome. Identifiers: Orphanet 93665, MedGen C3890737, MONDO:0019751.
TNF receptor-associated periodic fever syndrome (TRAPS) (FPF). Also called: TNF Receptor-Associated Periodic Fever Syndrome; Autosomal Dominant Familial Periodic Fever; TNF RECEPTOR-ASSOCIATED PERIODIC SYNDROME; TUMOR NECROSIS FACTOR RECEPTOR-ASSOCIATED PERIODIC SYNDROME; TNF receptor 1-associated periodic fever syndrome; FAMILIAL HIBERNIAN FEVER. Identifiers: Orphanet 32960, MedGen C1275126, MONDO:0007727, OMIM 142680.

Allele frequency attached by ClinVar (database versions not stated): gnomAD below 0.00001 and 0.00014; TOPMed 0.00001; gnomAD exomes 0.00029 and 0.00066; 1000 Genomes Project 30x 0.00062; ExAC 0.00074; 1000 Genomes Project 0.00080.
gnomAD v4.1: 456 of 1,613,648 alleles (0.028%); highest among the groups gnomAD compares: South Asian, 0.47%; 8 homozygotes.

Submissions (4):

Labcorp Genetics (formerly Invitae), Labcorp
Classification: Benign for TNF receptor-associated periodic fever syndrome (TRAPS). Last evaluated: 2025-09-23. Review status: criteria provided, single submitter. Criteria: Invitae Variant Classification Sherloc (09022015). Collection method: clinical testing. Allele origin: germline.

Genome Diagnostics Laboratory, The Hospital for Sick Children
Classification: Likely benign for Autoinflammatory syndrome. Last evaluated: 2016-12-12. Review status: criteria provided, single submitter. Criteria: ACMG Guidelines, 2015. Collection method: clinical testing. Allele origin: germline. Affected: yes.

PreventionGenetics, part of Exact Sciences
Classification: Benign for TNFRSF1A-related condition. Last evaluated: 2024-09-14. Review status: no assertion criteria provided. Collection method: clinical testing. Allele origin: germline. Not counted in ClinVar's aggregate classification.
Comment: This variant is classified as benign based on ACMG/AMP sequence variant interpretation guidelines (Richards et al. 2015 PMID: 25741868, with internal and published modifications).

Molecular Genetics Laboratory, BC Children's and BC Women's Hospitals
Classification: Likely benign for TNF receptor-associated periodic fever syndrome (TRAPS). Last evaluated: 2021-11-18. Review status: no assertion criteria provided. Criteria: ACMG Guidelines, 2015. Collection method: clinical testing. Allele origin: germline. Affected: yes. Not counted in ClinVar's aggregate classification.